The following is an entry in ClinVar:

NM_182916.3(TRNT1):c.127G>T (p.Glu43Ter)

Gene: TRNT1 (tRNA nucleotidyl transferase 1; plus strand). Cytogenetic location: 3p26.2.
Variant type: single nucleotide variant.
Coding change: c.127G>T on transcript NM_182916.3 (MANE Select); coding-DNA position 127, G replaced by T.
Protein change: p.Glu43Ter; replaces glutamic acid 43 with a stop codon.
Molecular consequence: nonsense. On other transcripts: non-coding transcript variant (11).
Genome position (GRCh38, 1-based): chr3:3,129,167, G>T. VCF-style: chr3-3129167-G-T. GRCh37 (hg19) VCF-style: chr3-3170851-G-T.
Other names: c.127G>T, p.Glu43Ter (NM_001302946.2, NM_001367321.1, NM_001367322.1 and 1 more transcripts); short protein forms E43*.
Identifiers: ClinVar variation 3706590 (VCV003706590.2).
Genomic context (GRCh38, chr3:3,129,167, plus strand): 5'-CCGAAGCAGTATCTATTCACAATGAAGTTGCAGTCTCCCGAATTCCAGTCACTTTTCACA[G>T]AAGGACTGAAGAGTCTGACAGGTGAGAGATTAGGATACCTTTTCTTGATTGGAAACCTAT-3'

ClinVar aggregate classification (germline): Pathogenic (1 of 4 stars; one submission).

Conditions:
Congenital sideroblastic anemia-B-cell immunodeficiency-periodic fever-developmental delay syndrome. Also called: Sideroblastic anemia with B-cell immunodeficiency, periodic fevers, and developmental delay. Identifiers: Orphanet 369861, MedGen C4015172, MONDO:0014487, OMIM 616084.

gnomAD v4.1: 4 of 1,614,064 alleles (0.00025%); highest among the groups gnomAD compares: Non-Finnish European, 0.00034%; no homozygotes.

Submission:

Labcorp Genetics (formerly Invitae), Labcorp
Classification: Pathogenic for Congenital sideroblastic anemia-B-cell immunodeficiency-periodic fever-developmental delay syndrome. Last evaluated: 2025-10-27. Review status: criteria provided, single submitter. Criteria: Invitae Variant Classification Sherloc (09022015). Collection method: clinical testing. Allele origin: germline.
Comment: This sequence change creates a premature translational stop signal (p.Glu43*) in the TRNT1 gene. It is expected to result in an absent or disrupted protein product. Loss-of-function variants in TRNT1 are known to be pathogenic (PMID: 25193871). This variant is present in population databases (no rsID available, gnomAD 0.0009%). This variant has not been reported in the literature in individuals affected with TRNT1-related conditions. ClinVar contains an entry for this variant (Variation ID: 3706590). For these reasons, this variant has been classified as Pathogenic.

Literature cited by the submitters: PubMed 25193871.